The following is an entry in ClinVar:

NM_004606.5(TAF1):c.1856C>A (p.Pro619Gln)

Gene: TAF1 (TATA-box binding protein associated factor 1; plus strand). Cytogenetic location: Xq13.1.
Variant type: single nucleotide variant.
Coding change: c.1856C>A on transcript NM_004606.5 (MANE Select); coding-DNA position 1856, C replaced by A.
Protein change: p.Pro619Gln; replaces proline 619 with glutamine.
Molecular consequence: missense variant. On other transcripts: non-coding transcript variant (9).
Genome position (GRCh38, 1-based): chrX:71,383,073, C>A. VCF-style: chrX-71383073-C-A. GRCh37 (hg19) VCF-style: chrX-70602923-C-A.
Other names: c.1856C>A, p.Pro619Gln (NM_001286074.2, NM_001440852.1, NM_001440853.1); c.1793C>A, p.Pro598Gln (NM_001440854.1, NM_138923.4); short protein forms P598Q, P619Q.
Identifiers: ClinVar variation 4685338 (VCV004685338.1).

ClinVar aggregate classification (germline): Uncertain significance (1 of 4 stars; one submission).

gnomAD v4.1: 1 of 1,211,376 alleles (0.000083%); highest among the groups gnomAD compares: South Asian, 0.0018%; no homozygotes.

Submission:

GeneDx
Classification: Uncertain significance. Last evaluated: 2025-07-11. Review status: criteria provided, single submitter. Criteria: GeneDx Variant Classification Process June 2021. Collection method: clinical testing. Allele origin: germline. Affected: yes.
Comment: Not observed at significant frequency in large population cohorts (gnomAD); In silico analysis supports that this missense variant has a deleterious effect on protein structure/function; Has not been previously published as pathogenic or benign to our knowledge